The following is an entry in ClinVar:

ClinVar aggregate classification (germline): Uncertain significance (1 of 4 stars; one submission).

Submission:

Ambry Genetics
Classification: Uncertain significance. Last evaluated: 2023-10-19. Review status: criteria provided, single submitter. Criteria: Ambry Variant Classification Scheme 2023. Collection method: clinical testing. Allele origin: germline.
Comment: The p.S552Y variant (also known as c.1655C>A), located in coding exon 16 of the NEBL gene, results from a C to A substitution at nucleotide position 1655. The serine at codon 552 is replaced by tyrosine, an amino acid with dissimilar properties. This amino acid position is conserved. In addition, this alteration is predicted to be tolerated by in silico analysis. Since supporting evidence is limited at this time, the clinical significance of this alteration remains unclear.

NM_006393.3(NEBL):c.1655C>A (p.Ser552Tyr)

Gene: NEBL (nebulette; minus strand). Cytogenetic location: 10p12.31.
Variant type: single nucleotide variant.
Coding change: c.1655C>A on transcript NM_006393.3 (MANE Select); coding-DNA position 1655, C replaced by A.
Protein change: p.Ser552Tyr; replaces serine 552 with tyrosine.
Molecular consequence: missense variant. On other transcripts: intron variant (9).
Genome position (GRCh38, 1-based): chr10:20,831,212, G>T on the plus strand (C>A on the coding strand, the complement: NEBL is on the minus strand). VCF-style: chr10-20831212-G-T. GRCh37 (hg19) VCF-style: chr10-21120141-G-T.
Other names: c.250-18272C>A (NM_001377326.1, NM_001377327.1, NM_001377328.1); c.358-18272C>A (NM_213569.2, NM_001173484.2, NM_001377322.1); c.301-18272C>A (NM_001377324.1); c.292-18272C>A (NM_001377325.1); c.310-18272C>A (NM_001377323.1); short protein forms S552Y.
Identifiers: ClinVar variation 3225559 (VCV003225559.1), dbSNP rs2491770540, ClinGen allele CA376097047.
Genomic context (GRCh38, chr10:20,831,212, plus strand): 5'-GACATTGGAATACACGATTCTGAGCATCTTCATTCATGACCAACCTGGCTATAGATTTCA[G>T]ATGTCCTCTTGGCTCGAAGGATATCTGGGATATCCATGCTCACTTGCATTCCTTTCCCTT-3'
Protein context (NP_006384.1, residues 542-562): IPDILRAKRT[Ser552Tyr]EIYSQRKYKD